The following is an entry in ClinVar:

ClinVar aggregate classification (germline): Pathogenic (1 of 4 stars; one submission).

Conditions:
Ataxia-telangiectasia syndrome (AT). Also called: Cerebello-oculocutaneous telangiectasia; Immunodeficiency with ataxia telangiectasia; ATAXIA-TELANGIECTASIA, FRESNO VARIANT; Ataxia-telangiectasia, complementation group D; Ataxia telangiectasia (A-T); LOUIS-BAR SYNDROME. Identifiers: Orphanet 100, MedGen C0004135, MONDO:0008840, OMIM 208900.

Submission:

Labcorp Genetics (formerly Invitae), Labcorp
Classification: Pathogenic for Ataxia-telangiectasia syndrome. Last evaluated: 2020-06-08. Review status: criteria provided, single submitter. Criteria: Invitae Variant Classification Sherloc (09022015). Collection method: clinical testing. Allele origin: germline.
Comment: This sequence change creates a premature translational stop signal (p.Leu811Glnfs*2) in the ATM gene. It is expected to result in an absent or disrupted protein product. This variant is not present in population databases (ExAC no frequency). This variant has not been reported in the literature in individuals with ATM-related conditions. Loss-of-function variants in ATM are known to be pathogenic (PMID: 23807571, 25614872). For these reasons, this variant has been classified as Pathogenic.

Literature cited by the submitters: PubMed 23807571; PubMed 25614872.

NM_000051.4(ATM):c.2432del (p.Leu811fs)

Gene: ATM (ATM serine/threonine kinase; plus strand). Cytogenetic location: 11q22.3.
Variant type: Deletion.
Coding change: c.2432del on transcript NM_000051.4 (MANE Select); coding-DNA position 2432, one base deleted (T; older notation c.2432delT).
Protein change: p.Leu811fs; shifts the reading frame from leucine 811.
Molecular consequence: frameshift variant.
Genome position (GRCh38, 1-based): chr11:108,259,041, T deleted. VCF-style (leftmost placement, unchanged base first): chr11-108259040-CT-C. GRCh37 (hg19) VCF-style: chr11-108129767-CT-C.
Other names: c.2432del, p.Leu811fs (NM_001351834.2); short protein forms L811fs.
Identifiers: ClinVar variation 1076210 (VCV001076210.7), dbSNP rs2135421772, ClinGen allele CA2499220591.